The following is an entry in ClinVar:

ClinVar aggregate classification (germline): Uncertain significance (1 of 4 stars; one submission).

Conditions:
Developmental and epileptic encephalopathy. Identifiers: MedGen C5779964, MONDO:0100620.

Submission:

Labcorp Genetics (formerly Invitae), Labcorp
Classification: Uncertain significance for Early infantile epileptic encephalopathy with suppression bursts. Last evaluated: 2019-09-12. Review status: criteria provided, single submitter. Criteria: Invitae Variant Classification Sherloc (09022015). Collection method: clinical testing. Allele origin: germline.
Comment: This sequence change replaces alanine with serine at codon 1017 of the SCN8A protein (p.Ala1017Ser). The alanine residue is moderately conserved and there is a moderate physicochemical difference between alanine and serine. This variant is not present in population databases (ExAC no frequency). This variant has not been reported in the literature in individuals with SCN8A-related conditions. Algorithms developed to predict the effect of missense changes on protein structure and function (SIFT, PolyPhen-2, Align-GVGD) all suggest that this variant is likely to be tolerated, but these predictions have not been confirmed by published functional studies and their clinical significance is uncertain. In summary, the available evidence is currently insufficient to determine the role of this variant in disease. Therefore, it has been classified as a Variant of Uncertain Significance.

NM_001330260.2(SCN8A):c.3049G>T (p.Ala1017Ser)

Gene: SCN8A (sodium voltage-gated channel alpha subunit 8; plus strand). Cytogenetic location: 12q13.13.
Variant type: single nucleotide variant.
Coding change: c.3049G>T on transcript NM_001330260.2 (MANE Select); coding-DNA position 3049, G replaced by T.
Protein change: p.Ala1017Ser; replaces alanine 1017 with serine.
Molecular consequence: missense variant.
Genome position (GRCh38, 1-based): chr12:51,769,012, G>T. VCF-style: chr12-51769012-G-T. GRCh37 (hg19) VCF-style: chr12-52162796-G-T.
Other names: c.3049G>T, p.Ala1017Ser (NM_001177984.3, NM_001369788.1, NM_014191.4); short protein forms A1017S.
Identifiers: ClinVar variation 938928 (VCV000938928.2), dbSNP rs751112057, ClinGen allele CA384892187.
Genomic context (GRCh38, chr12:51,769,012, plus strand): 5'-CTCCAGATCTCAGTGATCCGTATCAAGAAGGGTGTGGCCTGGACCAAACTAAAGGTGCAC[G>T]CCTTCATGCAGGCCCACTTTAAGCAGCGTGAGGCTGATGAGGTGAAGCCTCTGGATGAGT-3'
Protein context (NP_001317189.1, residues 1007-1027): GVAWTKLKVH[Ala1017Ser]FMQAHFKQRE